The following is an entry in ClinVar:

ClinVar aggregate classification (germline): Uncertain significance (0 of 4 stars; one submission).

Conditions:
Abnormality of neuronal migration. Identifiers: MedGen C1837249, HP:0002269.

Allele frequency attached by ClinVar (database versions not stated): gnomAD exomes below 0.00001; gnomAD 0.00001; TOPMed 0.00001.
gnomAD v4.1: 7 of 1,551,694 alleles (0.00045%); highest among the groups gnomAD compares: Non-Finnish European, 0.00061%; no homozygotes.

Submission:

Génétique et pathophysiologie de maladies neurodéveloppementales et épileptogènes, Institut de génétique et de biologie moléculaire et cellulaire
Classification: Uncertain significance for Malformation of Cortical Development. Last evaluated: 2014-10-31. Review status: no assertion criteria provided. Collection method: clinical testing. Allele origin: maternal. Affected: yes. Observed: 3 heterozygotes, 7 homozygotes.

NM_005371.6(METTL1):c.542T>C (p.Leu181Pro)

Gene: METTL1 (methyltransferase 1, tRNA methylguanosine; minus strand). Cytogenetic location: 12q14.1.
Variant type: single nucleotide variant.
Coding change: c.542T>C on transcript NM_005371.6 (MANE Select); coding-DNA position 542, T replaced by C.
Protein change: p.Leu181Pro; replaces leucine 181 with proline.
Molecular consequence: missense variant. On other transcripts: synonymous variant (1).
Genome position (GRCh38, 1-based): chr12:57,769,596, A>G on the plus strand (T>C on the coding strand, the complement: METTL1 is on the minus strand). VCF-style: chr12-57769596-A-G. GRCh37 (hg19) VCF-style: chr12-58163379-A-G.
Other names: c.357T>C, p.Ala119= (NM_023033.4); short protein forms L181P.
Identifiers: ClinVar variation 208908 (VCV000208908.1), dbSNP rs863223376, ClinGen allele CA054586.